The following is an entry in ClinVar:

NM_001042492.3(NF1):c.3198-8_3198-4del

Gene: NF1 (neurofibromin 1; plus strand). Cytogenetic location: 17q11.2.
Variant type: Deletion.
Coding change: c.3198-8_3198-4del on transcript NM_001042492.3 (MANE Select); 8 bases into the intron before coding-DNA position 3198 through 4 bases into the intron before coding-DNA position 3198, 5 bases deleted (TTTTT; older notation c.3198-8_3198-4delTTTTT).
Molecular consequence: intron variant.
Genome position (GRCh38, 1-based): chr17:31,232,065-31,232,069, TTTTT deleted; deleting any 5 consecutive bases within chr17:31,232,044-31,232,069 gives the same sequence; the c. name uses the placement nearest the transcript's 3' end. VCF-style (leftmost placement, unchanged base first): chr17-31232043-ATTTTT-A. GRCh37 (hg19) VCF-style: chr17-29559061-ATTTTT-A.
Other names: c.3198-8_3198-4delTTTTT (NM_000267.3); c.3198-8_3198-4del (NM_000267.4).
Identifiers: ClinVar variation 996415 (VCV000996415.11), dbSNP rs371047262, ClinGen allele CA289337492.

ClinVar aggregate classification (germline): Conflicting classifications of pathogenicity. Review status: criteria provided, conflicting classifications (1 of 4 stars). 2 submissions from 2 submitters: Uncertain significance (1); Likely benign (1). Last evaluated 2026-06-01.

Conditions:
Neurofibromatosis, type 1 (NF1). Also called: VON RECKLINGHAUSEN DISEASE; NEUROFIBROMATOSIS, TYPE I, SOMATIC; Peripheral type neurofibromatosis; Neurofibromatosis, type I. Identifiers: Orphanet 636, MedGen C0027831, MONDO:0018975, OMIM 162200. Disease mechanism: loss of function.

Submissions (2):

CeGaT Center for Human Genetics Tuebingen
Classification: Likely benign. Last evaluated: 2026-06-01. Review status: criteria provided, single submitter. Criteria: CeGaT Center For Human Genetics Tuebingen Variant Classification Criteria Version 2. Collection method: clinical testing. Allele origin: germline. Affected: yes. Observed: 4 variant alleles.
Comment: NF1: BP4

Genome Diagnostics Laboratory, The Hospital for Sick Children
Classification: Uncertain significance for Neurofibromatosis, type 1. Last evaluated: 2020-10-26. Review status: criteria provided, single submitter. Criteria: ACMG Guidelines, 2015. Collection method: clinical testing. Allele origin: germline. Affected: yes.